The following is an entry in ClinVar:

NM_001194998.2(CEP152):c.4744T>C (p.Ser1582Pro)

Gene: CEP152 (centrosomal protein 152; minus strand). Cytogenetic location: 15q21.1.
Variant type: single nucleotide variant.
Coding change: c.4744T>C on transcript NM_001194998.2 (MANE Select); coding-DNA position 4744, T replaced by C.
Protein change: p.Ser1582Pro; replaces serine 1582 with proline.
Molecular consequence: missense variant.
Genome position (GRCh38, 1-based): chr15:48,738,638, A>G on the plus strand (T>C on the coding strand, the complement: CEP152 is on the minus strand). VCF-style: chr15-48738638-A-G. GRCh37 (hg19) VCF-style: chr15-49030835-A-G.
Other names: c.4576T>C, p.Ser1526Pro (NM_014985.4); c.4744T>C (NM_001194998.1); short protein forms S1526P, S1582P.
Identifiers: ClinVar variation 158266 (VCV000158266.20), dbSNP rs77745570, ClinGen allele CA211080.

ClinVar aggregate classification (germline): Conflicting classifications of pathogenicity. Review status: criteria provided, conflicting classifications (1 of 4 stars). 6 submissions from 5 submitters: Uncertain significance (1); Benign (1); Likely benign (3). 1 of the submissions does not count toward it. Last evaluated 2025-12-30.

Conditions:
CEP152-related disorder. Also called: CEP152-related condition; CEP152-related disorders. Identifiers: MedGen CN239248.
Microcephaly 9, primary, autosomal recessive. Identifiers: Orphanet 2512, MedGen C3553886, MONDO:0013923, OMIM 614852.
Seckel syndrome 5 (SCKL5). Identifiers: Orphanet 808, MedGen C3151187, MONDO:0013443, OMIM 613823.

Allele frequency attached by ClinVar (database versions not stated): gnomAD exomes 0.00020 and 0.00052; ExAC 0.00067; 1000 Genomes Project 0.00220; gnomAD 0.00224 and 0.00243; ESP Exome Variant Server 0.00258; TOPMed 0.00260; 1000 Genomes Project 30x 0.00297.
gnomAD v4.1: 648 of 1,614,198 alleles (0.04%); highest among the groups gnomAD compares: African/African-American, 0.8%; 6 homozygotes.

Submissions (6):

Labcorp Genetics (formerly Invitae), Labcorp
Classification: Benign. Last evaluated: 2025-12-30. Review status: criteria provided, single submitter. Criteria: Invitae Variant Classification Sherloc (09022015). Collection method: clinical testing. Allele origin: germline.

GeneDx
Classification: Likely benign. Last evaluated: 2021-04-30. Review status: criteria provided, single submitter. Criteria: GeneDx Variant Classification Process June 2021. Collection method: clinical testing. Allele origin: germline. Affected: yes.

Illumina Laboratory Services, Illumina
Classification: Uncertain significance for Microcephaly 9, primary, autosomal recessive. Last evaluated: 2018-01-13. Review status: criteria provided, single submitter. Criteria: ICSL Variant Classification Criteria 13 December 2019. Collection method: clinical testing. Allele origin: germline.

Illumina Laboratory Services, Illumina
Classification: Likely benign for Seckel syndrome 5. Last evaluated: 2018-01-13. Review status: criteria provided, single submitter. Criteria: ICSL Variant Classification Criteria 13 December 2019. Collection method: clinical testing. Allele origin: germline.
Comment: This variant was observed in the ICSL laboratory as part of a predisposition screen in an ostensibly healthy population. It had not been previously curated by ICSL or reported in the Human Gene Mutation Database (HGMD: prior to June 1st, 2018), and was therefore a candidate for classification through an automated scoring system. Utilizing variant allele frequency, disease prevalence and penetrance estimates, and inheritance mode, an automated score was calculated to assess if this variant is too frequent to cause the disease. Based on the score and internal cut-off values, a variant classified as likely benign is not then subjected to further curation. The score for this variant resulted in a classification of likely benign for this disease.

Genetic Services Laboratory, University of Chicago
Classification: Likely benign. Last evaluated: 2016-09-22. Review status: criteria provided, single submitter. Criteria: ACMG Guidelines, 2015. Collection method: clinical testing. Allele origin: germline. Affected: no.

PreventionGenetics, part of Exact Sciences
Classification: Benign for CEP152-related condition. Last evaluated: 2019-08-28. Review status: no assertion criteria provided. Collection method: clinical testing. Allele origin: germline. Not counted in ClinVar's aggregate classification.
Comment: This variant is classified as benign based on ACMG/AMP sequence variant interpretation guidelines (Richards et al. 2015 PMID: 25741868, with internal and published modifications).